The following is an entry in ClinVar:

ClinVar aggregate classification (germline): Uncertain significance. Review status: criteria provided, multiple submitters, no conflicts (2 of 4 stars). 3 submissions from 3 submitters: Uncertain significance (3). Last evaluated 2025-12-12.

Conditions:
Hereditary cancer-predisposing syndrome. Also called: Neoplastic Syndromes, Hereditary; Hereditary neoplastic syndrome; Tumor predisposition; Hereditary Cancer Syndrome. Identifiers: Orphanet 140162, MedGen C0027672, MeSH D009386, MONDO:0015356.
Parathyroid carcinoma (PRTC). Also called: CDC73-Related Parathyroid Carcinoma; Parathyroid gland carcinoma. Identifiers: Orphanet 143, MedGen C0687150, MONDO:0012004, OMIM 608266, HP:0006780.
Hyperparathyroidism 1 (HRPT1). Also called: HYPERPARATHYROIDISM, FAMILIAL ISOLATED PRIMARY. Identifiers: Orphanet 99879, MedGen C1840402, MONDO:0007767, OMIM 145000.

Submissions (3):

Ambry Genetics
Classification: Uncertain significance for Hereditary cancer-predisposing syndrome. Last evaluated: 2025-12-12. Review status: criteria provided, single submitter. Criteria: Ambry Variant Classification Scheme 2023. Collection method: clinical testing. Allele origin: germline.
Comment: The p.Q398K variant (also known as c.1192C>A), located in coding exon 14 of the CDC73 gene, results from a C to A substitution at nucleotide position 1192. The glutamine at codon 398 is replaced by lysine, an amino acid with similar properties. This amino acid position is conserved. In addition, this alteration is predicted to be tolerated by in silico analysis. Based on the available evidence, the clinical significance of this variant remains unclear.

Labcorp Genetics (formerly Invitae), Labcorp
Classification: Uncertain significance for Parathyroid carcinoma. Last evaluated: 2024-11-24. Review status: criteria provided, single submitter. Criteria: Invitae Variant Classification Sherloc (09022015). Collection method: clinical testing. Allele origin: germline.
Comment: This sequence change replaces glutamine, which is neutral and polar, with lysine, which is basic and polar, at codon 398 of the CDC73 protein (p.Gln398Lys). This variant is not present in population databases (gnomAD no frequency). This variant has not been reported in the literature in individuals affected with CDC73-related conditions. ClinVar contains an entry for this variant (Variation ID: 2680422). Invitae Evidence Modeling of protein sequence and biophysical properties (such as structural, functional, and spatial information, amino acid conservation, physicochemical variation, residue mobility, and thermodynamic stability) indicates that this missense variant is not expected to disrupt CDC73 protein function with a negative predictive value of 80%. In summary, the available evidence is currently insufficient to determine the role of this variant in disease. Therefore, it has been classified as a Variant of Uncertain Significance.

Baylor Genetics
Classification: Uncertain significance for Hyperparathyroidism 1. Last evaluated: 2023-07-05. Review status: criteria provided, single submitter. Criteria: ACMG Guidelines, 2015. Collection method: clinical testing. Allele origin: unknown.

NM_024529.5(CDC73):c.1192C>A (p.Gln398Lys)

Gene: CDC73 (cell division cycle 73; plus strand). Cytogenetic location: 1q31.2.
Variant type: single nucleotide variant.
Coding change: c.1192C>A on transcript NM_024529.5 (MANE Select); coding-DNA position 1192, C replaced by A.
Protein change: p.Gln398Lys; replaces glutamine 398 with lysine.
Molecular consequence: missense variant.
Genome position (GRCh38, 1-based): chr1:193,233,030, C>A. VCF-style: chr1-193233030-C-A. GRCh37 (hg19) VCF-style: chr1-193202160-C-A.
Other names: short protein forms Q398K.
Identifiers: ClinVar variation 2680422 (VCV002680422.5), dbSNP rs2102058295, ClinGen allele CA344077791.